The following is an entry in ClinVar:

ClinVar aggregate classification (germline): Conflicting classifications of pathogenicity. Review status: criteria provided, conflicting classifications (1 of 4 stars). 4 submissions from 4 submitters: Uncertain significance (3); Likely benign (1). Last evaluated 2025-07-24.

Conditions:
Marfan syndrome (MFS). Also called: FBN1-Related Marfan Syndrome; Marfan syndrome type 1; Marfan's syndrome; Marfan syndrome, classic; MARFAN SYNDROME, TYPE I. Identifiers: Orphanet 284963, Orphanet 558, MedGen C0024796, MONDO:0007947, OMIM 154700.
Familial thoracic aortic aneurysm and aortic dissection (TAAD). Also called: Thoracic aortic aneurysms and dissections. Identifiers: Orphanet 91387, MedGen C4707243, MONDO:0019625.

Allele frequency attached by ClinVar (database versions not stated): gnomAD exomes below 0.00001; TOPMed 0.00001.
gnomAD v4.1: 2 of 1,614,234 alleles (0.00012%); highest among the groups gnomAD compares: South Asian, 0.0011%; no homozygotes.

Submissions (4):

Women's Health and Genetics/Laboratory Corporation of America, LabCorp
Classification: Uncertain significance. Last evaluated: 2025-07-24. Review status: criteria provided, single submitter. Criteria: LabCorp Variant Classification Summary - May 2015. Collection method: clinical testing. Allele origin: germline.
Comment: Variant summary: FBN1 c.669G>A (p.Met223Ile) results in a conservative amino acid change located in the TB domain of the encoded protein sequence. Algorithms developed to predict the effect of missense changes on protein structure and function are either unavailable or do not agree on the potential impact of this missense change. The variant allele was found at a frequency of 4e-06 in 251372 control chromosomes. The available data on variant occurrences in the general population are insufficient to allow any conclusion about variant significance. c.669G>A has been observed in individual(s) affected with a partially solved rare disease (Vuocolo_2024). These report(s) do not provide unequivocal conclusions about association of the variant with Marfan Syndrome. To our knowledge, no experimental evidence demonstrating an impact on protein function has been reported. The following publication has been ascertained in the context of this evaluation (PMID: 38431799). ClinVar contains an entry for this variant (Variation ID: 632802). Based on the evidence outlined above, the variant was classified as uncertain significance.

Labcorp Genetics (formerly Invitae), Labcorp
Classification: Likely benign for Marfan syndrome; Familial thoracic aortic aneurysm and aortic dissection. Last evaluated: 2024-07-13. Review status: criteria provided, single submitter. Criteria: Invitae Variant Classification Sherloc (09022015). Collection method: clinical testing. Allele origin: germline.

Baylor Genetics
Classification: Uncertain significance for Marfan syndrome. Last evaluated: 2022-04-20. Review status: criteria provided, single submitter. Criteria: ACMG Guidelines, 2015. Collection method: clinical testing. Allele origin: unknown.

Wangler Lab, Baylor College of Medicine
Classification: Uncertain significance for Marfan syndrome. Review status: criteria provided, single submitter. Criteria: ACMG Guidelines, 2015. Collection method: clinical testing. Allele origin: unknown. Inheritance: Autosomal dominant inheritance. Affected: yes. Observed: 1 heterozygote.
Comment: This FBN1 missense variant at c.669G>A (p.M223I) was discovered on exome through the Texome Project (R01HG011795). It was observed in gnomAD with a frequency of <0.001%. It has an inconclusive CADD score (22.900) and the evolutionary conservation of this residue is high. This variant is located in one of the TGF-β-binding protein-like domains of the fibrillin protein, and variants in nearby residues have been described in individuals with Marfan syndrome (PM1). We classify this as a variant of uncertain significant.

Literature cited by the submitters: PubMed 38431799 (cited by Women's Health and Genetics/Laboratory Corporation of America, LabCorp).

NM_000138.5(FBN1):c.669G>A (p.Met223Ile)

Gene: FBN1 (fibrillin 1; minus strand). Cytogenetic location: 15q21.1.
Variant type: single nucleotide variant.
Coding change: c.669G>A on transcript NM_000138.5 (MANE Select); coding-DNA position 669, G replaced by A.
Protein change: p.Met223Ile; replaces methionine 223 with isoleucine.
Molecular consequence: missense variant.
Genome position (GRCh38, 1-based): chr15:48,537,678, C>T on the plus strand (G>A on the coding strand, the complement: FBN1 is on the minus strand). VCF-style: chr15-48537678-C-T. GRCh37 (hg19) VCF-style: chr15-48829875-C-T.
Other names: short protein forms M223I.
Identifiers: ClinVar variation 632802 (VCV000632802.13), dbSNP rs910928261, ClinGen allele CA270013473.